The following is an entry in ClinVar:

NM_007255.3(B4GALT7):c.520G>C (p.Asp174His)

Gene: B4GALT7 (beta-1,4-galactosyltransferase 7; plus strand). Cytogenetic location: 5q35.3.
Variant type: single nucleotide variant.
Coding change: c.520G>C on transcript NM_007255.3 (MANE Select); coding-DNA position 520, G replaced by C.
Protein change: p.Asp174His; replaces aspartic acid 174 with histidine.
Molecular consequence: missense variant.
Genome position (GRCh38, 1-based): chr5:177,607,408, G>C. VCF-style: chr5-177607408-G-C. GRCh37 (hg19) VCF-style: chr5-177034409-G-C.
Other names: short protein forms D174H.
Identifiers: ClinVar variation 1908356 (VCV001908356.5), dbSNP rs532945440, ClinGen allele CA3586523.

ClinVar aggregate classification (germline): Uncertain significance (1 of 4 stars; one submission).

Conditions:
Spondylodysplastic Ehlers-Danlos syndrome. Identifiers: Orphanet 536471, Orphanet 75496, MedGen C5680154, MONDO:0007526.

gnomAD v4.1: 1 of 1,613,968 alleles (0.000062%); highest among the groups gnomAD compares: Non-Finnish European, 0.000085%; no homozygotes.

Submission:

Labcorp Genetics (formerly Invitae), Labcorp
Classification: Uncertain significance for Spondylodysplastic Ehlers-Danlos syndrome. Last evaluated: 2022-03-29. Review status: criteria provided, single submitter. Criteria: Invitae Variant Classification Sherloc (09022015). Collection method: clinical testing. Allele origin: germline.
Comment: Algorithms developed to predict the effect of missense changes on protein structure and function are either unavailable or do not agree on the potential impact of this missense change (SIFT: "Tolerated"; PolyPhen-2: "Probably Damaging"; Align-GVGD: "Class C0"). In summary, the available evidence is currently insufficient to determine the role of this variant in disease. Therefore, it has been classified as a Variant of Uncertain Significance. This variant has not been reported in the literature in individuals affected with B4GALT7-related conditions. This variant is not present in population databases (gnomAD no frequency). This sequence change replaces aspartic acid, which is acidic and polar, with histidine, which is basic and polar, at codon 174 of the B4GALT7 protein (p.Asp174His).